The following is an entry in ClinVar:

NM_001868.4(CPA1):c.86C>G (p.Ser29Cys)

Gene: CPA1 (carboxypeptidase A1; plus strand). Cytogenetic location: 7q32.2.
Variant type: single nucleotide variant.
Coding change: c.86C>G on transcript NM_001868.4 (MANE Select); coding-DNA position 86, C replaced by G.
Protein change: p.Ser29Cys; replaces serine 29 with cysteine.
Molecular consequence: missense variant.
Genome position (GRCh38, 1-based): chr7:130,381,118, C>G. VCF-style: chr7-130381118-C-G. GRCh37 (hg19) VCF-style: chr7-130020959-C-G.
Other names: short protein forms S29C.
Identifiers: ClinVar variation 1056261 (VCV001056261.6), dbSNP rs2117499085, ClinGen allele CA369279202.
Genomic context (GRCh38, chr7:130,381,118, plus strand): 5'-TGCAGCTTGGGTGCTCACTCCCCACTCCCACTCTGCCCAGGCATCAGGTGCTCCGAATCT[C>G]TGTAGCCGATGAGGCCCAGGTACAGAAGGTGAAGGAGCTGGAGGACCTGGAGCACCTGCA-3'
Protein context (NP_001859.1, residues 19-39): DFVGHQVLRI[Ser29Cys]VADEAQVQKV

ClinVar aggregate classification (germline): Uncertain significance. Review status: criteria provided, multiple submitters, no conflicts (2 of 4 stars). 2 submissions from 2 submitters: Uncertain significance (2). Last evaluated 2022-07-02.

Conditions:
Hereditary pancreatitis (PCTT). Also called: Hereditary chronic pancreatitis; PRSS1-Related Hereditary Pancreatitis. Identifiers: Orphanet 676, MedGen C0238339, MONDO:0008185, OMIM 167800.

Submissions (2):

Ambry Genetics
Classification: Uncertain significance for Hereditary pancreatitis. Last evaluated: 2022-07-02. Review status: criteria provided, single submitter. Criteria: Ambry Variant Classification Scheme 2023. Collection method: clinical testing. Allele origin: germline.
Comment: The p.S29C variant (also known as c.86C>G), located in coding exon 2 of the CPA1 gene, results from a C to G substitution at nucleotide position 86. The serine at codon 29 is replaced by cysteine, an amino acid with dissimilar properties. This amino acid position is conserved. In addition, this alteration is predicted to be tolerated by in silico analysis. Since supporting evidence is limited at this time, the clinical significance of this alteration remains unclear.

Labcorp Genetics (formerly Invitae), Labcorp
Classification: Uncertain significance. Last evaluated: 2021-08-31. Review status: criteria provided, single submitter. Criteria: Invitae Variant Classification Sherloc (09022015). Collection method: clinical testing. Allele origin: germline.